The following is an entry in ClinVar:

ClinVar aggregate classification (germline): Pathogenic (1 of 4 stars; one submission).

Conditions:
Neurofibromatosis, type 1 (NF1). Also called: VON RECKLINGHAUSEN DISEASE; Peripheral type neurofibromatosis; NEUROFIBROMATOSIS, TYPE I, SOMATIC; Neurofibromatosis, type I. Identifiers: Orphanet 636, MedGen C0027831, MONDO:0018975, OMIM 162200. Disease mechanism: loss of function.

Submission:

Labcorp Genetics (formerly Invitae), Labcorp
Classification: Pathogenic for Neurofibromatosis, type 1. Last evaluated: 2025-12-28. Review status: criteria provided, single submitter. Criteria: Invitae Variant Classification Sherloc (09022015). Collection method: clinical testing. Allele origin: germline.
Comment: This sequence change creates a premature translational stop signal (p.Ile719Thrfs*29) in the NF1 gene. It is expected to result in an absent or disrupted protein product. Loss-of-function variants in NF1 are known to be pathogenic (PMID: 10712197, 23913538). This variant is not present in population databases (gnomAD no frequency). This variant has not been reported in the literature in individuals affected with NF1-related conditions. Algorithms developed to predict the effect of sequence changes on RNA splicing suggest that this variant may disrupt the consensus splice site. For these reasons, this variant has been classified as Pathogenic.

Literature cited by the submitters: PubMed 10712197; PubMed 23913538.

NM_001042492.3(NF1):c.2156del (p.Ile719fs)

Gene: NF1 (neurofibromin 1; plus strand). Cytogenetic location: 17q11.2.
Variant type: Deletion.
Coding change: c.2156del on transcript NM_001042492.3 (MANE Select); coding-DNA position 2156, one base deleted (T; older notation c.2156delT).
Protein change: p.Ile719fs; shifts the reading frame from isoleucine 719.
Molecular consequence: frameshift variant.
Genome position (GRCh38, 1-based): chr17:31,226,589, T deleted. VCF-style (leftmost placement, unchanged base first): chr17-31226588-AT-A. GRCh37 (hg19) VCF-style: chr17-29553606-AT-A.
Other names: c.2156del, p.Ile719fs (NM_000267.4); short protein forms I719fs.
Identifiers: ClinVar variation 4734255 (VCV004734255.1).